The following is an entry in ClinVar:

NM_001256545.2(MEGF10):c.2566A>T (p.Ile856Phe)

Gene: MEGF10 (multiple EGF like domains 10; plus strand). Cytogenetic location: 5q23.2.
Variant type: single nucleotide variant.
Coding change: c.2566A>T on transcript NM_001256545.2 (MANE Select); coding-DNA position 2566, A replaced by T.
Protein change: p.Ile856Phe; replaces isoleucine 856 with phenylalanine.
Molecular consequence: missense variant.
Genome position (GRCh38, 1-based): chr5:127,445,531, A>T. VCF-style: chr5-127445531-A-T. GRCh37 (hg19) VCF-style: chr5-126781223-A-T.
Other names: c.2566A>T, p.Ile856Phe (NM_032446.3); short protein forms I856F.
Identifiers: ClinVar variation 1385432 (VCV001385432.7), dbSNP rs1765910939, ClinGen allele CA360734680.

ClinVar aggregate classification (germline): Uncertain significance (1 of 4 stars; one submission).

Conditions:
MEGF10-related myopathy (CMYO10A). Also called: Congenital myopathy 10A, severe variant. Identifiers: Orphanet 439212, MedGen C3280679, MONDO:0013731, OMIM 614399.

Submission:

Labcorp Genetics (formerly Invitae), Labcorp
Classification: Uncertain significance for MEGF10-related myopathy. Last evaluated: 2021-04-06. Review status: criteria provided, single submitter. Criteria: Invitae Variant Classification Sherloc (09022015). Collection method: clinical testing. Allele origin: germline.
Comment: This sequence change replaces isoleucine with phenylalanine at codon 856 of the MEGF10 protein (p.Ile856Phe). The isoleucine residue is highly conserved and there is a small physicochemical difference between isoleucine and phenylalanine. This variant is not present in population databases (ExAC no frequency). This variant has not been reported in the literature in individuals with MEGF10-related conditions. Algorithms developed to predict the effect of missense changes on protein structure and function are either unavailable or do not agree on the potential impact of this missense change (SIFT: "Deleterious"; PolyPhen-2: "Probably Damaging"; Align-GVGD: "Class C0"). In summary, the available evidence is currently insufficient to determine the role of this variant in disease. Therefore, it has been classified as a Variant of Uncertain Significance.